The following is an entry in ClinVar:

NM_000350.3(ABCA4):c.3376C>G (p.Leu1126Val)

Gene: ABCA4 (ATP binding cassette subfamily A member 4; minus strand). Cytogenetic location: 1p22.1.
Variant type: single nucleotide variant.
Coding change: c.3376C>G on transcript NM_000350.3 (MANE Select); coding-DNA position 3376, C replaced by G.
Protein change: p.Leu1126Val; replaces leucine 1126 with valine.
Molecular consequence: missense variant.
Genome position (GRCh38, 1-based): chr1:94,041,355, G>C on the plus strand (C>G on the coding strand, the complement: ABCA4 is on the minus strand). VCF-style: chr1-94041355-G-C. GRCh37 (hg19) VCF-style: chr1-94506911-G-C.
Other names: c.3154C>G, p.Leu1052Val (NM_001425324.1); short protein forms L1126V, L1052V.
Identifiers: ClinVar variation 1038984 (VCV001038984.8), dbSNP rs1660481292, ClinGen allele CA341291159.
Genomic context (GRCh38, chr1:94,041,355, plus strand): 5'-AGAGTGGGGTGCCTGAGCAGTAGAGCCTTCCCTGGGCAATGATGGCAATGCGGTCCCCAA[G>C]GAGGTCGGCCTCGTCCATGTGGTGAGTGGACATGATGATGGTTCTGCCTGCAAGGTAGGG-3'
Protein context (NP_000341.2, residues 1116-1136): STHHMDEADL[Leu1126Val]GDRIAIIAQG

ClinVar aggregate classification (germline): Uncertain significance (1 of 4 stars; one submission).

Allele frequency attached by ClinVar (database versions not stated): gnomAD exomes below 0.00001; TOPMed below 0.00001.
gnomAD v4.1: 1 of 1,614,178 alleles (0.000062%); highest among the groups gnomAD compares: Non-Finnish European, 0.000085%; no homozygotes.

Submission:

Labcorp Genetics (formerly Invitae), Labcorp
Classification: Uncertain significance. Last evaluated: 2020-06-24. Review status: criteria provided, single submitter. Criteria: Invitae Variant Classification Sherloc (09022015). Collection method: clinical testing. Allele origin: germline.
Comment: This sequence change replaces leucine with valine at codon 1126 of the ABCA4 protein (p.Leu1126Val). The leucine residue is highly conserved and there is a small physicochemical difference between leucine and valine. This variant is not present in population databases (ExAC no frequency). In summary, the available evidence is currently insufficient to determine the role of this variant in disease. Therefore, it has been classified as a Variant of Uncertain Significance. Algorithms developed to predict the effect of missense changes on protein structure and function (SIFT, PolyPhen-2, Align-GVGD) all suggest that this variant is likely to be disruptive, but these predictions have not been confirmed by published functional studies and their clinical significance is uncertain. This variant has not been reported in the literature in individuals with ABCA4-related conditions.